The following is an entry in ClinVar:

NM_005876.5(SPEG):c.3456T>C (p.Tyr1152=)

Gene: SPEG (striated muscle enriched protein kinase; plus strand). Cytogenetic location: 2q35.
Variant type: single nucleotide variant.
Coding change: c.3456T>C on transcript NM_005876.5 (MANE Select); coding-DNA position 3456, T replaced by C.
Protein change: p.Tyr1152=; no amino-acid change (tyrosine 1152 retained).
Molecular consequence: synonymous variant.
Genome position (GRCh38, 1-based): chr2:219,469,013, T>C. VCF-style: chr2-219469013-T-C. GRCh37 (hg19) VCF-style: chr2-220333735-T-C.
Other names: c.3456T>C (NM_005876.4).
Identifiers: ClinVar variation 1630073 (VCV001630073.11), dbSNP rs189442728, ClinGen allele CA2126171.

ClinVar aggregate classification (germline): Likely benign. Review status: criteria provided, single submitter (1 of 4 stars). 2 submissions from 2 submitters: Likely benign (1). 1 of the submissions does not count toward it. Last evaluated 2026-01-31.

Conditions:
SPEG-related disorder. Also called: SPEG-related condition.

Allele frequency attached by ClinVar (database versions not stated): gnomAD 0.00001 and 0.00003; gnomAD exomes 0.00002 and 0.00008; TOPMed 0.00002; ExAC 0.00004; 1000 Genomes Project 30x 0.00016; 1000 Genomes Project 0.00020.
gnomAD v4.1: 39 of 1,613,576 alleles (0.0024%); highest among the groups gnomAD compares: Admixed American, 0.043%; 1 homozygote.

Submissions (2):

Labcorp Genetics (formerly Invitae), Labcorp
Classification: Likely benign. Last evaluated: 2026-01-31. Review status: criteria provided, single submitter. Criteria: Invitae Variant Classification Sherloc (09022015). Collection method: clinical testing. Allele origin: germline.

PreventionGenetics, part of Exact Sciences
Classification: Likely benign for SPEG-related condition. Last evaluated: 2019-04-02. Review status: no assertion criteria provided. Collection method: clinical testing. Allele origin: germline. Not counted in ClinVar's aggregate classification.
Comment: This variant is classified as likely benign based on ACMG/AMP sequence variant interpretation guidelines (Richards et al. 2015 PMID: 25741868, with internal and published modifications).